The following is an entry in ClinVar:

ClinVar aggregate classification (germline): Uncertain significance. Review status: criteria provided, multiple submitters, no conflicts (2 of 4 stars). 2 submissions from 2 submitters: Uncertain significance (2). Last evaluated 2023-11-27.

Conditions:
Hereditary cancer-predisposing syndrome. Also called: Hereditary Cancer Syndrome; Hereditary neoplastic syndrome; Neoplastic Syndromes, Hereditary; Tumor predisposition. Identifiers: Orphanet 140162, MedGen C0027672, MeSH D009386, MONDO:0015356.

Submissions (2):

Ambry Genetics
Classification: Uncertain significance for Hereditary cancer-predisposing syndrome. Last evaluated: 2023-11-27. Review status: criteria provided, single submitter. Criteria: Ambry Variant Classification Scheme 2023. Collection method: clinical testing. Allele origin: germline.
Comment: The p.R813G variant (also known as c.2437C>G), located in coding exon 14 of the RET gene, results from a C to G substitution at nucleotide position 2437. The arginine at codon 813 is replaced by glycine, an amino acid with dissimilar properties. This amino acid position is conserved. In addition, this alteration is predicted to be deleterious by in silico analysis. Since supporting evidence is limited at this time, the clinical significance of this alteration remains unclear.

GeneDx
Classification: Uncertain significance. Last evaluated: 2022-07-29. Review status: criteria provided, single submitter. Criteria: GeneDx Variant Classification Process June 2021. Collection method: clinical testing. Allele origin: germline. Affected: yes.
Comment: Not observed at significant frequency in large population cohorts (gnomAD); In silico analysis supports that this missense variant has a deleterious effect on protein structure/function; Has not been previously published as pathogenic or benign to our knowledge; This variant is associated with the following publications: (PMID: 14633923)

NM_020975.6(RET):c.2437C>G (p.Arg813Gly)

Gene: RET (ret proto-oncogene; plus strand). Cytogenetic location: 10q11.21.
Variant type: single nucleotide variant.
Coding change: c.2437C>G on transcript NM_020975.6 (MANE Select); coding-DNA position 2437, C replaced by G.
Protein change: p.Arg813Gly; replaces arginine 813 with glycine.
Molecular consequence: missense variant.
Genome position (GRCh38, 1-based): chr10:43,119,575, C>G. VCF-style: chr10-43119575-C-G. GRCh37 (hg19) VCF-style: chr10-43615023-C-G.
Other names: c.2437C>G, p.Arg813Gly (NM_000323.2, NM_001406743.1, NM_001406744.1 and 4 more transcripts); c.1675C>G, p.Arg559Gly (NM_001355216.2); c.2308C>G, p.Arg770Gly (NM_001406761.1, NM_001406762.1, NM_001406764.1); c.2302C>G, p.Arg768Gly (NM_001406763.1, NM_001406765.1); c.2149C>G, p.Arg717Gly (NM_001406766.1, NM_001406767.1, NM_001406770.1); c.2173C>G, p.Arg725Gly (NM_001406768.1); c.2041C>G, p.Arg681Gly (NM_001406769.1, NM_001406772.1); c.1999C>G, p.Arg667Gly (NM_001406771.1, NM_001406773.1); and 10 more; short protein forms R330G, R378G, R418G, R469G, R471G, R474G, R483G, R514G.
Identifiers: ClinVar variation 2412837 (VCV002412837.4), dbSNP rs779996040, ClinGen allele CA376556153.